The following is an entry in ClinVar:

NM_021008.4(DEAF1):c.953C>T (p.Ser318Phe)

Gene: DEAF1 (DEAF1 transcription factor; minus strand). Cytogenetic location: 11p15.5.
Variant type: single nucleotide variant.
Coding change: c.953C>T on transcript NM_021008.4 (MANE Select); coding-DNA position 953, C replaced by T.
Protein change: p.Ser318Phe; replaces serine 318 with phenylalanine.
Molecular consequence: missense variant. On other transcripts: intron variant (1).
Genome position (GRCh38, 1-based): chr11:681,007, G>A on the plus strand (C>T on the coding strand, the complement: DEAF1 is on the minus strand). VCF-style: chr11-681007-G-A. GRCh37 (hg19) VCF-style: chr11-681007-G-A.
Other names: c.227C>T, p.Ser76Phe (NM_001367390.1, NM_001440885.1, NM_001440886.1 and 1 more transcripts); c.953C>T, p.Ser318Phe (NM_001440883.1, NM_001440884.1); c.731-1191C>T (NM_001293634.2); short protein forms S318F, S76F.
Identifiers: ClinVar variation 3655413 (VCV003655413.2).
Genomic context (GRCh38, chr11:681,007, plus strand): 5'-GTTTTCTCAAACTCACAGGTGGTAGCCGCGGTGGCTGGAAGCAATGTGATGTTCTTGGGG[G>A]AGTCCTTCTTCACGGGAGTTGTGGGCAGTTCATTCTCCTTCTTGCGCCTTTTGTAAGGCA-3'
Protein context (NP_066288.2, residues 308-328): ELPTTPVKKD[Ser318Phe]PKNITLLPAT

ClinVar aggregate classification (germline): Uncertain significance (1 of 4 stars; one submission).

gnomAD v4.1: 2 of 1,614,180 alleles (0.00012%); highest among the groups gnomAD compares: Non-Finnish European, 0.00017%; no homozygotes.

Submission:

Labcorp Genetics (formerly Invitae), Labcorp
Classification: Uncertain significance. Last evaluated: 2024-09-11. Review status: criteria provided, single submitter. Criteria: Invitae Variant Classification Sherloc (09022015). Collection method: clinical testing. Allele origin: germline.
Comment: This sequence change replaces serine, which is neutral and polar, with phenylalanine, which is neutral and non-polar, at codon 318 of the DEAF1 protein (p.Ser318Phe). This variant is not present in population databases (gnomAD no frequency). This variant has not been reported in the literature in individuals affected with DEAF1-related conditions. Invitae Evidence Modeling of protein sequence and biophysical properties (such as structural, functional, and spatial information, amino acid conservation, physicochemical variation, residue mobility, and thermodynamic stability) has been performed for this missense variant. However, the output from this modeling did not meet the statistical confidence thresholds required to predict the impact of this variant on DEAF1 protein function. In summary, the available evidence is currently insufficient to determine the role of this variant in disease. Therefore, it has been classified as a Variant of Uncertain Significance.